The following is an entry in ClinVar:

ClinVar aggregate classification (germline): Uncertain significance (1 of 4 stars; one submission).

Conditions:
Progressive sclerosing poliodystrophy (MTDPS4A). Also called: Mitochondrial DNA Depletion Syndrome 4A; ALPERS PROGRESSIVE INFANTILE POLIODYSTROPHY; NEURONAL DEGENERATION OF CHILDHOOD WITH LIVER DISEASE, PROGRESSIVE; Mitochondrial DNA depletion syndrome 4A (Alpers type); Alpers Syndrome; ALPERS DIFFUSE DEGENERATION OF CEREBRAL GRAY MATTER WITH HEPATIC CIRRHOSIS. Identifiers: Orphanet 726, MedGen C0205710, MONDO:0008758, OMIM 203700.

Submission:

Labcorp Genetics (formerly Invitae), Labcorp
Classification: Uncertain significance for Progressive sclerosing poliodystrophy. Last evaluated: 2023-08-17. Review status: criteria provided, single submitter. Criteria: Invitae Variant Classification Sherloc (09022015). Collection method: clinical testing. Allele origin: germline.
Comment: In summary, the available evidence is currently insufficient to determine the role of this variant in disease. Therefore, it has been classified as a Variant of Uncertain Significance. Advanced modeling of protein sequence and biophysical properties (such as structural, functional, and spatial information, amino acid conservation, physicochemical variation, residue mobility, and thermodynamic stability) performed at Invitae indicates that this missense variant is not expected to disrupt POLG protein function. ClinVar contains an entry for this variant (Variation ID: 2015281). This variant has not been reported in the literature in individuals affected with POLG-related conditions. This variant is not present in population databases (gnomAD no frequency). This sequence change replaces leucine, which is neutral and non-polar, with isoleucine, which is neutral and non-polar, at codon 697 of the POLG protein (p.Leu697Ile).

NM_002693.3(POLG):c.2089T>A (p.Leu697Ile)

Gene: POLG (DNA polymerase gamma, catalytic subunit; minus strand). Cytogenetic location: 15q26.1.
Variant type: single nucleotide variant.
Coding change: c.2089T>A on transcript NM_002693.3 (MANE Select); coding-DNA position 2089, T replaced by A.
Protein change: p.Leu697Ile; replaces leucine 697 with isoleucine.
Molecular consequence: missense variant.
Genome position (GRCh38, 1-based): chr15:89,323,883, A>T on the plus strand (T>A on the coding strand, the complement: POLG is on the minus strand). VCF-style: chr15-89323883-A-T. GRCh37 (hg19) VCF-style: chr15-89867114-A-T.
Other names: c.2089T>A, p.Leu697Ile (NM_001126131.2); short protein forms L697I.
Identifiers: ClinVar variation 2015281 (VCV002015281.4), dbSNP rs2509232395, ClinGen allele CA393757270.